The following is an entry in ClinVar:

ClinVar aggregate classification (germline): Likely benign (1 of 4 stars; one submission).

Allele frequency attached by ClinVar (database versions not stated): gnomAD 0.00001; TOPMed 0.00001; ExAC 0.00002.
gnomAD v4.1: 45 of 1,607,984 alleles (0.0028%); highest among the groups gnomAD compares: Non-Finnish European, 0.0037%; no homozygotes.

Submission:

CeGaT Center for Human Genetics Tuebingen
Classification: Likely benign. Last evaluated: 2023-04-01. Review status: criteria provided, single submitter. Criteria: CeGaT Center For Human Genetics Tuebingen Variant Classification Criteria Version 2. Collection method: clinical testing. Allele origin: germline. Affected: yes. Observed: 1 variant allele.
Comment: RASAL2: BP4, BP7

NM_170692.4(RASAL2):c.90C>T (p.Pro30=)

Gene: RASAL2 (RAS protein activator like 2; plus strand). Cytogenetic location: 1q25.2.
Variant type: single nucleotide variant.
Coding change: c.90C>T on transcript NM_170692.4 (MANE Select); coding-DNA position 90, C replaced by T.
Protein change: p.Pro30=; no amino-acid change (proline 30 retained).
Molecular consequence: synonymous variant.
Genome position (GRCh38, 1-based): chr1:178,094,582, C>T. VCF-style: chr1-178094582-C-T. GRCh37 (hg19) VCF-style: chr1-178063717-C-T.
Identifiers: ClinVar variation 2639590 (VCV002639590.24), dbSNP rs770096480, ClinGen allele CA1261298.